The following is an entry in ClinVar:

NM_005909.5(MAP1B):c.2474C>G (p.Ala825Gly)

Gene: MAP1B (microtubule associated protein 1B; plus strand). Cytogenetic location: 5q13.2.
Variant type: single nucleotide variant.
Coding change: c.2474C>G on transcript NM_005909.5 (MANE Select); coding-DNA position 2474, C replaced by G.
Protein change: p.Ala825Gly; replaces alanine 825 with glycine.
Molecular consequence: missense variant.
Genome position (GRCh38, 1-based): chr5:72,195,829, C>G. VCF-style: chr5-72195829-C-G. GRCh37 (hg19) VCF-style: chr5-71491656-C-G.
Other names: c.2096C>G, p.Ala699Gly (NM_001324255.2); short protein forms A825G, A699G.
Identifiers: ClinVar variation 4996204 (VCV004996204.1).

ClinVar aggregate classification (germline): Uncertain significance (1 of 4 stars; one submission).

Conditions:
MAP1B-related disorder. Also called: MAP1B-related condition.

Submission:

PreventionGenetics, part of Exact Sciences
Classification: Uncertain significance for MAP1B-related condition. Last evaluated: 2026-04-29. Review status: criteria provided, single submitter. Criteria: ACMG Guidelines, 2015. Collection method: clinical testing. Allele origin: germline.
Comment: The MAP1B c.2474C>G variant is predicted to result in the amino acid substitution p.Ala825Gly. To our knowledge, this variant has not been reported in the literature or in a large population database (gnomAD), indicating this variant is rare. At this time, the clinical significance of this variant is uncertain due to the absence of conclusive functional and genetic evidence.